The following is an entry in ClinVar:

NM_001042492.3(NF1):c.3686del (p.Asn1229fs)

Gene: NF1 (neurofibromin 1; plus strand). Cytogenetic location: 17q11.2.
Variant type: Deletion.
Coding change: c.3686del on transcript NM_001042492.3 (MANE Select); coding-DNA position 3686, one base deleted (A; older notation c.3686delA).
Protein change: p.Asn1229fs; shifts the reading frame from asparagine 1229.
Molecular consequence: frameshift variant.
Genome position (GRCh38, 1-based): chr17:31,233,191, A deleted; the last of 2 consecutive A bases (chr17:31,233,190-31,233,191); deleting either gives the same sequence. VCF-style (leftmost placement, unchanged base first): chr17-31233189-CA-C. GRCh37 (hg19) VCF-style: chr17-29560207-CA-C.
Other names: c.3686delA (NM_000267.3); c.3686delA, p.Asn1229Metfs (NM_000267.4); short protein forms N1229fs.
Identifiers: ClinVar variation 547633 (VCV000547633.7), dbSNP rs1555615103, ClinGen allele CA658824758.

ClinVar aggregate classification (germline): Pathogenic. Review status: criteria provided, multiple submitters, no conflicts (2 of 4 stars). 3 submissions from 3 submitters: Pathogenic (3). Last evaluated 2022-03-15.

Conditions:
Neurofibromatosis, type 1 (NF1). Also called: NEUROFIBROMATOSIS, TYPE I, SOMATIC; VON RECKLINGHAUSEN DISEASE; Peripheral type neurofibromatosis; Neurofibromatosis, type I. Identifiers: Orphanet 636, MedGen C0027831, MONDO:0018975, OMIM 162200. Disease mechanism: loss of function.

Submissions (3):

Genome-Nilou Lab
Classification: Pathogenic for Neurofibromatosis, type 1. Last evaluated: 2022-03-15. Review status: criteria provided, single submitter. Criteria: ACMG Guidelines, 2015. Collection method: clinical testing. Allele origin: germline. Affected: no.

Labcorp Genetics (formerly Invitae), Labcorp
Classification: Pathogenic for Neurofibromatosis, type 1. Last evaluated: 2018-09-27. Review status: criteria provided, single submitter. Criteria: Invitae Variant Classification Sherloc (09022015). Collection method: clinical testing. Allele origin: germline.
Comment: This sequence change creates a premature translational stop signal (p.Asn1229Metfs*11) in the NF1 gene. It is expected to result in an absent or disrupted protein product. This variant is not present in population databases (ExAC no frequency). For these reasons, this variant has been classified as Pathogenic. Loss-of-function variants in NF1 are known to be pathogenic (PMID: 10712197, 23913538). This variant has been observed in an individual affected with neurofibromatosis type 1 (PMID: 14517963). ClinVar contains an entry for this variant (Variation ID: 547633).

Center for Human Genetics, Inc
Classification: Pathogenic for Neurofibromatosis, type 1. Last evaluated: 2016-11-01. Review status: criteria provided, single submitter. Criteria: ACMG Guidelines, 2015. Collection method: clinical testing. Allele origin: germline. Affected: yes.

Literature cited by the submitters: PubMed 10712197 (cited by Labcorp Genetics (formerly Invitae), Labcorp); PubMed 23913538 (cited by Labcorp Genetics (formerly Invitae), Labcorp); PubMed 14517963 (cited by Labcorp Genetics (formerly Invitae), Labcorp).